The following is an entry in ClinVar:

NM_001370259.2(MEN1):c.1235A>C (p.His412Pro)

Gene: MEN1 (menin 1; minus strand). Cytogenetic location: 11q13.1.
Variant type: single nucleotide variant.
Coding change: c.1235A>C on transcript NM_001370259.2 (MANE Select); coding-DNA position 1235, A replaced by C.
Protein change: p.His412Pro; replaces histidine 412 with proline.
Molecular consequence: missense variant. On other transcripts: non-coding transcript variant (4), intron variant (1).
Genome position (GRCh38, 1-based): chr11:64,805,149, T>G on the plus strand (A>C on the coding strand, the complement: MEN1 is on the minus strand). VCF-style: chr11-64805149-T-G. GRCh37 (hg19) VCF-style: chr11-64572621-T-G.
Other names: c.1250A>C, p.His417Pro (NM_000244.4, NM_001407145.1, NM_130800.3 and 4 more transcripts); c.1361A>C, p.His454Pro (NM_001370251.2, NM_001407142.1, NM_001407143.1 and 1 more transcripts); c.1235A>C, p.His412Pro (NM_001370260.2, NM_001370261.2, NM_001407146.1 and 2 more transcripts); c.1130A>C, p.His377Pro (NM_001370262.2, NM_001370263.2, NM_001407148.1 and 1 more transcripts); c.1376A>C, p.His459Pro (NM_001407150.1); c.1256A>C, p.His419Pro (NM_001407151.1); c.1186-333A>C (NM_001407152.1); short protein forms H377P, H412P, H417P, H419P, H454P, H459P.
Identifiers: ClinVar variation 3229053 (VCV003229053.1), dbSNP rs2136102396, ClinGen allele CA381180613.

ClinVar aggregate classification (germline): Uncertain significance (1 of 4 stars; one submission).

Conditions:
Hereditary cancer-predisposing syndrome. Also called: Neoplastic Syndromes, Hereditary; Tumor predisposition; Hereditary neoplastic syndrome; Hereditary Cancer Syndrome. Identifiers: Orphanet 140162, MedGen C0027672, MeSH D009386, MONDO:0015356.

Submission:

Ambry Genetics
Classification: Uncertain significance for Hereditary cancer-predisposing syndrome. Last evaluated: 2023-12-13. Review status: criteria provided, single submitter. Criteria: Ambry Variant Classification Scheme 2023. Collection method: clinical testing. Allele origin: germline.
Comment: The p.H412P variant (also known as c.1235A>C), located in coding exon 8 of the MEN1 gene, results from an A to C substitution at nucleotide position 1235. The histidine at codon 412 is replaced by proline, an amino acid with similar properties. This amino acid position is conserved. In addition, this alteration is predicted to be deleterious by in silico analysis. Since supporting evidence is limited at this time, the clinical significance of this alteration remains unclear.